The following is an entry in ClinVar:

ClinVar aggregate classification (germline): Uncertain significance (1 of 4 stars; one submission).

Conditions:
Joubert syndrome. Also called: CEREBELLOPARENCHYMAL DISORDER IV; JOUBERT-BOLTSHAUSER SYNDROME; Familial aplasia of the vermis. Identifiers: Orphanet 475, MedGen C5979921, MONDO:0018772.
Meckel-Gruber syndrome. Also called: DYSENCEPHALIA SPLANCHNOCYSTICA; GRUBER SYNDROME; Dysencephalia splachnocystica. Identifiers: Orphanet 564, MedGen C0265215, MONDO:0018921.

Allele frequency attached by ClinVar (database versions not stated): gnomAD exomes below 0.00001; ExAC 0.00001.
gnomAD v4.1: 3 of 1,613,140 alleles (0.00019%); highest among the groups gnomAD compares: African/African-American, 0.004%; no homozygotes.

Submission:

Labcorp Genetics (formerly Invitae), Labcorp
Classification: Uncertain significance for Joubert syndrome; Meckel-Gruber syndrome. Last evaluated: 2022-04-13. Review status: criteria provided, single submitter. Criteria: Invitae Variant Classification Sherloc (09022015). Collection method: clinical testing. Allele origin: germline.
Comment: In summary, the available evidence is currently insufficient to determine the role of this variant in disease. Therefore, it has been classified as a Variant of Uncertain Significance. Algorithms developed to predict the effect of missense changes on protein structure and function output the following: SIFT: "Tolerated"; PolyPhen-2: "Not Available"; Align-GVGD: "Class C0". The leucine amino acid residue is found in multiple mammalian species, which suggests that this missense change does not adversely affect protein function. This variant has not been reported in the literature in individuals affected with TCTN2-related conditions. This variant is not present in population databases (gnomAD no frequency). This sequence change replaces phenylalanine, which is neutral and non-polar, with leucine, which is neutral and non-polar, at codon 3 of the TCTN2 protein (p.Phe3Leu).

NM_024809.5(TCTN2):c.7T>C (p.Phe3Leu)

Gene: TCTN2 (tectonic family member 2; plus strand). Cytogenetic location: 12q24.31.
Variant type: single nucleotide variant.
Coding change: c.7T>C on transcript NM_024809.5 (MANE Select); coding-DNA position 7, T replaced by C.
Protein change: p.Phe3Leu; replaces phenylalanine 3 with leucine.
Molecular consequence: missense variant.
Genome position (GRCh38, 1-based): chr12:123,671,247, T>C. VCF-style: chr12-123671247-T-C. GRCh37 (hg19) VCF-style: chr12-124155794-T-C.
Other names: c.7T>C, p.Phe3Leu (NM_001143850.3, NM_001410989.1); short protein forms F3L.
Identifiers: ClinVar variation 2150894 (VCV002150894.4), dbSNP rs772107062, ClinGen allele CA6860751.
Genomic context (GRCh38, chr12:123,671,247, plus strand): 5'-CTGGGTTCTAATGAGGGCGCGGTTCTGCTGTGCCCGGCCCGCGAGGTCTAAGGCATGGGC[T>C]TCCAGCCTCCGGCCGCTCTTCTTTTGAGGCTTTTCCTTCTGCAGGGCATCCTGAGGCTTC-3'
Protein context (NP_079085.2, residues 1-13): MG[Phe3Leu]QPPAALLLRL